The following is an entry in ClinVar:

ClinVar aggregate classification (germline): Uncertain significance (1 of 4 stars; one submission).

Conditions:
Cardiovascular phenotype. Identifiers: MedGen CN230736.

Submission:

Ambry Genetics
Classification: Uncertain significance for Cardiovascular phenotype. Last evaluated: 2020-03-24. Review status: criteria provided, single submitter. Criteria: Ambry Variant Classification Scheme 2023. Collection method: clinical testing. Allele origin: germline.
Comment: The p.A3007S variant (also known as c.9019G>T), located in coding exon 36 of the AKAP9 gene, results from a G to T substitution at nucleotide position 9019. The alanine at codon 3007 is replaced by serine, an amino acid with similar properties. This amino acid position is poorly conserved in available vertebrate species. In addition, this alteration is predicted to be tolerated by in silico analysis. Since supporting evidence is limited at this time, the clinical significance of this alteration remains unclear.

NM_005751.5(AKAP9):c.9019G>T (p.Ala3007Ser)

Gene: AKAP9 (A-kinase anchoring protein 9; plus strand). Cytogenetic location: 7q21.2.
Variant type: single nucleotide variant.
Coding change: c.9019G>T on transcript NM_005751.5 (MANE Select); coding-DNA position 9019, G replaced by T.
Protein change: p.Ala3007Ser; replaces alanine 3007 with serine.
Molecular consequence: missense variant.
Genome position (GRCh38, 1-based): chr7:92,085,681, G>T. VCF-style: chr7-92085681-G-T. GRCh37 (hg19) VCF-style: chr7-91714995-G-T.
Other names: c.3664G>T, p.Ala1222Ser (NM_001379277.1); c.8995G>T, p.Ala2999Ser (NM_147185.3); short protein forms A2999S, A3007S, A1222S.
Identifiers: ClinVar variation 1765488 (VCV001765488.2), dbSNP rs2535267007, ClinGen allele CA368143222.
Genomic context (GRCh38, chr7:92,085,681, plus strand): 5'-TACATCAATACAATCTCATCTCTAAAGGATTTAATTACAAAGATGCAACTGCAAAGAGAA[G>T]CCGAGGTAACCAAAGAATACTATGCATTTAAATCATTTTATGTATTATTTGAACAATAAT-3'
Protein context (NP_005742.4, residues 2997-3017): LITKMQLQRE[Ala3007Ser]EVYDSSQSHE